The following is an entry in ClinVar:

NM_001202.6(BMP4):c.*31T>A

Gene: BMP4 (bone morphogenetic protein 4; minus strand). Cytogenetic location: 14q22.2.
Variant type: single nucleotide variant.
Coding change: c.*31T>A on transcript NM_001202.6 (MANE Select); 31 bases downstream of the stop codon, T replaced by A.
Molecular consequence: 3 prime UTR variant.
Genome position (GRCh38, 1-based): chr14:53,950,001, A>T on the plus strand (T>A on the coding strand, the complement: BMP4 is on the minus strand). VCF-style: chr14-53950001-A-T. GRCh37 (hg19) VCF-style: chr14-54416719-A-T.
Other names: c.*31T>A (NM_001347912.1, NM_001347913.2, NM_001347914.2 and 5 more transcripts).
Identifiers: ClinVar variation 881587 (VCV000881587.4), dbSNP rs374037026, ClinGen allele CA7191612.

ClinVar aggregate classification (germline): Conflicting classifications of pathogenicity. Review status: criteria provided, conflicting classifications (1 of 4 stars). 2 submissions from 1 submitter: Uncertain significance (1); Likely benign (1). Last evaluated 2018-01-13.

Conditions:
Orofacial cleft 11 (OFC11). Also called: Orofacial cleft 11; ofc11; CLEFT LIP WITH OR WITHOUT CLEFT PALATE, NONSYNDROMIC, 11. Identifiers: MedGen C2677434, MONDO:0010906, OMIM 600625.
Microphthalmia with brain and digit anomalies (MCOPS6). Also called: Microphthalmia, syndromic 6; MICROPHTHALMIA AND PITUITARY ANOMALIES. Identifiers: Orphanet 139471, MedGen C1864689, MONDO:0011936, OMIM 607932.

Allele frequency attached by ClinVar (database versions not stated): gnomAD 0.00001 and 0.00002; gnomAD exomes 0.00002; ExAC 0.00003; ESP Exome Variant Server 0.00008.

Submissions (2):

Illumina Laboratory Services, Illumina
Classification: Uncertain significance for Orofacial cleft 11. Last evaluated: 2018-01-13. Review status: criteria provided, single submitter. Criteria: ICSL Variant Classification Criteria 13 December 2019. Collection method: clinical testing. Allele origin: germline.

Illumina Laboratory Services, Illumina
Classification: Likely benign for Microphthalmia with brain and digit anomalies. Last evaluated: 2018-01-13. Review status: criteria provided, single submitter. Criteria: ICSL Variant Classification Criteria 13 December 2019. Collection method: clinical testing. Allele origin: germline.
Comment: This variant was observed in the ICSL laboratory as part of a predisposition screen in an ostensibly healthy population. It had not been previously curated by ICSL or reported in the Human Gene Mutation Database (HGMD: prior to June 1st, 2018), and was therefore a candidate for classification through an automated scoring system. Utilizing variant allele frequency, disease prevalence and penetrance estimates, and inheritance mode, an automated score was calculated to assess if this variant is too frequent to cause the disease. Based on the score and internal cut-off values, a variant classified as likely benign is not then subjected to further curation. The score for this variant resulted in a classification of likely benign for this disease.